The following is an entry in ClinVar:

ClinVar aggregate classification (germline): Uncertain significance (1 of 4 stars; one submission).

Allele frequency attached by ClinVar (database versions not stated): TOPMed below 0.00001.

Submission:

CeGaT Center for Human Genetics Tuebingen
Classification: Uncertain significance. Last evaluated: 2024-01-01. Review status: criteria provided, single submitter. Criteria: CeGaT Center For Human Genetics Tuebingen Variant Classification Criteria Version 2. Collection method: clinical testing. Allele origin: germline. Affected: yes. Observed: 1 variant allele.
Comment: SEMA6B: PM2, PP2

NM_032108.4(SEMA6B):c.2021G>A (p.Gly674Glu)

Gene: SEMA6B (semaphorin 6B; minus strand). Cytogenetic location: 19p13.3.
Variant type: single nucleotide variant.
Coding change: c.2021G>A on transcript NM_032108.4 (MANE Select); coding-DNA position 2021, G replaced by A.
Protein change: p.Gly674Glu; replaces glycine 674 with glutamic acid.
Molecular consequence: missense variant.
Genome position (GRCh38, 1-based): chr19:4,544,247, C>T on the plus strand (G>A on the coding strand, the complement: SEMA6B is on the minus strand). VCF-style: chr19-4544247-C-T. GRCh37 (hg19) VCF-style: chr19-4544259-C-T.
Other names: short protein forms G674E.
Identifiers: ClinVar variation 3027088 (VCV003027088.22), dbSNP rs1377646639, ClinGen allele CA403461391.